The following is an entry in ClinVar:

ClinVar aggregate classification (germline): Uncertain significance. Review status: criteria provided, multiple submitters, no conflicts (2 of 4 stars). 10 submissions from 6 submitters: Uncertain significance (8). 2 of the submissions do not count toward it. Last evaluated 2023-04-11.

Conditions:
Retinitis pigmentosa 12 (RP12). Also called: RP WITH OR WITHOUT PRESERVED PARAARTERIOLE RETINAL PIGMENT EPITHELIUM; RETINITIS PIGMENTOSA WITH OR WITHOUT PARAARTERIOLAR PRESERVATION OF RETINAL PIGMENT EPITHELIUM; RP WITH OR WITHOUT PPRPE. Identifiers: Orphanet 791, MedGen C1838647, MONDO:0010818, OMIM 600105.
Leber congenital amaurosis 8 (LCA8). Identifiers: Orphanet 65, MedGen C3151202, MONDO:0013453, OMIM 613835.
Retinitis pigmentosa (RP). Identifiers: Orphanet 791, MedGen C0035334, MeSH D012174, MONDO:0019200, OMIM 268000. Inheritance: Autosomal dominant, autosomal recessive and X linked inheritance.
Leber congenital amaurosis (LCA). Also called: Leber's amaurosis. Identifiers: Orphanet 65, MedGen C0339527, MeSH D057130, MONDO:0018998.
Pigmented paravenous retinochoroidal atrophy. Identifiers: Orphanet 251295, MedGen C1868310, MONDO:0008246, OMIM 172870.

Allele frequency attached by ClinVar (database versions not stated): ExAC 0.00001; gnomAD exomes 0.00001; TOPMed 0.00002; gnomAD 0.00003 and 0.00004.
gnomAD v4.1: 27 of 1,614,050 alleles (0.0017%); highest among the groups gnomAD compares: African/African-American, 0.0027%; no homozygotes.

Submissions (10):

Genome-Nilou Lab
Classification: Uncertain significance for Leber congenital amaurosis 8. Last evaluated: 2023-04-11. Review status: criteria provided, single submitter. Criteria: ACMG Guidelines, 2015. Collection method: clinical testing. Allele origin: germline. Affected: no.

Genome-Nilou Lab
Classification: Uncertain significance for Pigmented paravenous retinochoroidal atrophy. Last evaluated: 2023-04-11. Review status: criteria provided, single submitter. Criteria: ACMG Guidelines, 2015. Collection method: clinical testing. Allele origin: germline. Affected: no.

Genome-Nilou Lab
Classification: Uncertain significance for Retinitis pigmentosa 12. Last evaluated: 2023-04-11. Review status: criteria provided, single submitter. Criteria: ACMG Guidelines, 2015. Collection method: clinical testing. Allele origin: germline. Affected: no.

Labcorp Genetics (formerly Invitae), Labcorp
Classification: Uncertain significance for Leber congenital amaurosis 8; Retinitis pigmentosa 12. Last evaluated: 2022-08-22. Review status: criteria provided, single submitter. Criteria: Invitae Variant Classification Sherloc (09022015). Collection method: clinical testing. Allele origin: germline.
Comment: This sequence change replaces glutamine, which is neutral and polar, with glutamic acid, which is acidic and polar, at codon 679 of the CRB1 protein (p.Gln679Glu). This variant is present in population databases (rs62636286, gnomAD 0.002%). This variant has not been reported in the literature in individuals affected with CRB1-related conditions. ClinVar contains an entry for this variant (Variation ID: 99873). Advanced modeling of protein sequence and biophysical properties (such as structural, functional, and spatial information, amino acid conservation, physicochemical variation, residue mobility, and thermodynamic stability) performed at Invitae indicates that this missense variant is not expected to disrupt CRB1 protein function. In summary, the available evidence is currently insufficient to determine the role of this variant in disease. Therefore, it has been classified as a Variant of Uncertain Significance.

Blueprint Genetics
Classification: Uncertain significance. Last evaluated: 2022-03-09. Review status: criteria provided, single submitter. Criteria: ACMG Guidelines, 2015. Collection method: clinical testing. Allele origin: germline.

Illumina Laboratory Services, Illumina
Classification: Uncertain significance for Pigmented paravenous retinochoroidal atrophy. Last evaluated: 2017-04-28. Review status: criteria provided, single submitter. Criteria: ICSL Variant Classification Criteria 13 December 2019. Collection method: clinical testing. Allele origin: germline.

Illumina Laboratory Services, Illumina
Classification: Uncertain significance for Leber congenital amaurosis 8. Last evaluated: 2017-04-28. Review status: criteria provided, single submitter. Criteria: ICSL Variant Classification Criteria 13 December 2019. Collection method: clinical testing. Allele origin: germline.

Illumina Laboratory Services, Illumina
Classification: Uncertain significance for Retinitis pigmentosa. Last evaluated: 2017-04-28. Review status: criteria provided, single submitter. Criteria: ICSL Variant Classification Criteria 13 December 2019. Collection method: clinical testing. Allele origin: germline.
Comment: This variant was observed as part of a predisposition screen in an ostensibly healthy population. A literature search was performed for the gene, cDNA change, and amino acid change (where applicable). Publications were found based on this search. However, the evidence from the literature, in combination with allele frequency data from public databases where available, was not sufficient to rule this variant in or out of causing disease. Therefore, this variant is classified as a variant of unknown significance.

Natera, Inc.
Classification: Uncertain significance for Leber congenital amaurosis. Last evaluated: 2020-03-18. Review status: no assertion criteria provided. Collection method: clinical testing. Allele origin: germline. Not counted in ClinVar's aggregate classification.

Retina International
No classification provided. Review status: no classification provided. Collection method: not provided. Allele origin: not provided. Not counted in ClinVar's aggregate classification.

Literature cited by the submitters: PubMed 12843338 (cited by Illumina Laboratory Services, Illumina).

NM_201253.3(CRB1):c.2035C>G (p.Gln679Glu)

Gene: CRB1 (crumbs cell polarity complex component 1; plus strand). Cytogenetic location: 1q31.3.
Variant type: single nucleotide variant.
Coding change: c.2035C>G on transcript NM_201253.3 (MANE Select); coding-DNA position 2035, C replaced by G.
Protein change: p.Gln679Glu; replaces glutamine 679 with glutamic acid.
Molecular consequence: missense variant. On other transcripts: non-coding transcript variant (2).
Genome position (GRCh38, 1-based): chr1:197,421,863, C>G. VCF-style: chr1-197421863-C-G. GRCh37 (hg19) VCF-style: chr1-197390993-C-G.
Other names: c.1699C>G, p.Gln567Glu (NM_001193640.2); c.1828C>G, p.Gln610Glu (NM_001257965.2); c.2035C>G, p.Gln679Glu (NM_001257966.2); short protein forms Q679E, Q610E, Q567E.
Identifiers: ClinVar variation 99873 (VCV000099873.10), dbSNP rs62636286, ClinGen allele CA227998.